The following is an entry in ClinVar:

NM_012193.4(FZD4):c.130C>T (p.Arg44Cys)

Gene: FZD4 (frizzled class receptor 4; minus strand). Cytogenetic location: 11q14.2.
Variant type: single nucleotide variant.
Coding change: c.130C>T on transcript NM_012193.4 (MANE Select); coding-DNA position 130, C replaced by T.
Protein change: p.Arg44Cys; replaces arginine 44 with cysteine.
Molecular consequence: missense variant.
Genome position (GRCh38, 1-based): chr11:86,954,956, G>A on the plus strand (C>T on the coding strand, the complement: FZD4 is on the minus strand). VCF-style: chr11-86954956-G-A. GRCh37 (hg19) VCF-style: chr11-86665998-G-A.
Other names: short protein forms R44C.
Identifiers: ClinVar variation 3694775 (VCV003694775.2).

ClinVar aggregate classification (germline): Uncertain significance (1 of 4 stars; one submission).

gnomAD v4.1: 1 of 1,613,682 alleles (0.000062%); highest among the groups gnomAD compares: Non-Finnish European, 0.000085%; no homozygotes.

Submission:

Labcorp Genetics (formerly Invitae), Labcorp
Classification: Uncertain significance. Last evaluated: 2024-03-13. Review status: criteria provided, single submitter. Criteria: Invitae Variant Classification Sherloc (09022015). Collection method: clinical testing. Allele origin: germline.
Comment: This sequence change replaces arginine, which is basic and polar, with cysteine, which is neutral and slightly polar, at codon 44 of the FZD4 protein (p.Arg44Cys). This variant is present in population databases (no rsID available, gnomAD 0.0009%). This variant has not been reported in the literature in individuals affected with FZD4-related conditions. Advanced modeling of protein sequence and biophysical properties (such as structural, functional, and spatial information, amino acid conservation, physicochemical variation, residue mobility, and thermodynamic stability) performed at Invitae indicates that this missense variant is not expected to disrupt FZD4 protein function with a negative predictive value of 80%. In summary, the available evidence is currently insufficient to determine the role of this variant in disease. Therefore, it has been classified as a Variant of Uncertain Significance.